The following is an entry in ClinVar:

ClinVar aggregate classification (germline): Uncertain significance. Review status: criteria provided, multiple submitters, no conflicts (2 of 4 stars). 2 submissions from 2 submitters: Uncertain significance (2). Last evaluated 2026-01-05.

Conditions:
Neurodevelopmental disorder with language delay and variable cognitive abnormalities (NEDLC). Identifiers: MedGen C5882689, MONDO:0957779, OMIM 620502.

Allele frequency attached by ClinVar (database versions not stated): gnomAD 0.00004; gnomAD exomes below 0.00001; ExAC 0.00001; TOPMed 0.00004.
gnomAD v4.1: 17 of 1,614,120 alleles (0.0011%); highest among the groups gnomAD compares: African/African-American, 0.012%; no homozygotes.

Submissions (2):

Dasa
Classification: Uncertain significance for Neurodevelopmental disorder with language delay and variable cognitive abnormalities. Last evaluated: 2026-01-05. Review status: criteria provided, single submitter. Criteria: DASA Assertion Criteria. Collection method: clinical testing. Allele origin: germline.
Comment: NM_001470.4(GABBR1):c.2177C>T (p.Ala726Val) is a missense variant that results in the substitution of alanine with valine. This variant is rare in population databases. The currently available literature and clinical evidence are not sufficient to establish a definitive association between this variant and the reported condition. Therefore, this variant is classified as a variant of uncertain significance.

Ambry Genetics
Classification: Uncertain significance. Last evaluated: 2024-01-09. Review status: criteria provided, single submitter. Criteria: Ambry Variant Classification Scheme 2023. Collection method: clinical testing. Allele origin: germline.

NM_001470.4(GABBR1):c.2177C>T (p.Ala726Val)

Gene: GABBR1 (gamma-aminobutyric acid type B receptor subunit 1; minus strand). Cytogenetic location: 6p22.1.
Variant type: single nucleotide variant.
Coding change: c.2177C>T on transcript NM_001470.4 (MANE Select); coding-DNA position 2177, C replaced by T.
Protein change: p.Ala726Val; replaces alanine 726 with valine.
Molecular consequence: missense variant.
Genome position (GRCh38, 1-based): chr6:29,606,937, G>A on the plus strand (C>T on the coding strand, the complement: GABBR1 is on the minus strand). VCF-style: chr6-29606937-G-A. GRCh37 (hg19) VCF-style: chr6-29574714-G-A.
Other names: c.1646C>T, p.Ala549Val (NM_001319053.2); c.1826C>T, p.Ala609Val (NM_021903.3); c.1991C>T, p.Ala664Val (NM_021904.4); short protein forms A549V, A726V, A609V, A664V.
Identifiers: ClinVar variation 3097790 (VCV003097790.3), dbSNP rs765209352, ClinGen allele CA3689833.